The following is an entry in ClinVar:

NM_001061.7(TBXAS1):c.170C>G (p.Thr57Arg)

Gene: TBXAS1 (thromboxane A synthase 1; plus strand). Cytogenetic location: 7q34.
Variant type: single nucleotide variant.
Coding change: c.170C>G on transcript NM_001061.7 (MANE Select); coding-DNA position 170, C replaced by G.
Protein change: p.Thr57Arg; replaces threonine 57 with arginine.
Molecular consequence: missense variant. On other transcripts: 5 prime UTR variant (1).
Genome position (GRCh38, 1-based): chr7:139,872,315, C>G. VCF-style: chr7-139872315-C-G. GRCh37 (hg19) VCF-style: chr7-139572114-C-G.
Other names: c.170C>G, p.Thr57Arg (NM_001130966.5, NM_001166253.4, NM_001366538.2 and 1 more transcripts); c.-32C>G (NM_001166254.4); c.84C>G, p.Asp28Glu (NM_001314028.4, NM_001366537.3); short protein forms T58R, D28E, T57R.
Identifiers: ClinVar variation 1975445 (VCV001975445.3), dbSNP rs2487372844, ClinGen allele CA369577747.

ClinVar aggregate classification (germline): Uncertain significance (1 of 4 stars; one submission).

gnomAD v4.1: 1 of 1,613,880 alleles (0.000062%); highest among the groups gnomAD compares: Admixed American, 0.0017%; no homozygotes.

Submission:

Labcorp Genetics (formerly Invitae), Labcorp
Classification: Uncertain significance. Last evaluated: 2022-05-20. Review status: criteria provided, single submitter. Criteria: Invitae Variant Classification Sherloc (09022015). Collection method: clinical testing. Allele origin: germline.
Comment: In summary, the available evidence is currently insufficient to determine the role of this variant in disease. Therefore, it has been classified as a Variant of Uncertain Significance. Advanced modeling of protein sequence and biophysical properties (such as structural, functional, and spatial information, amino acid conservation, physicochemical variation, residue mobility, and thermodynamic stability) performed at Invitae indicates that this missense variant is not expected to disrupt TBXAS1 protein function. This variant has not been reported in the literature in individuals affected with TBXAS1-related conditions. This variant is not present in population databases (gnomAD no frequency). This sequence change replaces threonine, which is neutral and polar, with arginine, which is basic and polar, at codon 58 of the TBXAS1 protein (p.Thr58Arg).